The following is an entry in ClinVar:

ClinVar aggregate classification (germline): Pathogenic. Review status: reviewed by expert panel (3 of 4 stars). 5 submissions from 5 submitters: Pathogenic (1). 4 of the submissions do not count toward it. Last evaluated 2017-12-15.

Conditions:
Hereditary cancer-predisposing syndrome. Also called: Hereditary Cancer Syndrome; Neoplastic Syndromes, Hereditary; Tumor predisposition; Hereditary neoplastic syndrome. Identifiers: Orphanet 140162, MedGen C0027672, MeSH D009386, MONDO:0015356.
Breast-ovarian cancer, familial, susceptibility to, 2 (BROVCA2). Also called: BRCA2 Hereditary Breast and Ovarian Cancer. Identifiers: Orphanet 145, MedGen C2675520, MONDO:0012933, OMIM 612555. Disease mechanism: loss of function.
Hereditary breast ovarian cancer syndrome. Also called: Hereditary breast and/or ovarian cancer syndrome; BRCA1- and BRCA2-Associated Hereditary Breast and Ovarian Cancer; Hereditary breast and ovarian cancer syndrome (HBOC); Hereditary breast and ovarian cancer; Hereditary breast and ovarian cancer syndrome; Breast and ovarian cancer. Identifiers: Orphanet 145, MedGen C0677776, MeSH D061325, MONDO:0003582. Disease mechanism: loss of function.

Submissions (5):

Evidence-based Network for the Interpretation of Germline Mutant Alleles (ENIGMA)
Classification: Pathogenic for Breast-ovarian cancer, familial, susceptibility to, 2. Last evaluated: 2017-12-15. Review status: reviewed by expert panel. Criteria: ENIGMA BRCA1/2 Classification Criteria (2017-06-29). Collection method: curation. Allele origin: germline. Study: ENIGMA.
Comment: Variant allele predicted to encode a truncated non-functional protein.

GeneKor MSA
Classification: Pathogenic for Hereditary breast ovarian cancer syndrome. Last evaluated: 2025-05-15. Review status: criteria provided, single submitter. Criteria: ACMG Guidelines, 2015. Collection method: clinical testing. Allele origin: germline. Affected: yes. Not counted in ClinVar's aggregate classification.
Comment: This is a single base substitution replacing Tyrosine with a Termination codon in the BRCA2 gene -p.(Tyr57*). It is expected to result in an absent or disrupted protein product. Loss-of-function variants in BRCA2 are known to be pathogenic (PMID:20104584). This variant is present in population databases (rs201523522). This alteration has not been reported in the literature in individuals affected with hereditary cancer. The mutation database ClinVar contains entries for this variant (VCV000232879.13). Based on the classification criteria set by the ACMG and AMP (PMID:25741868) this variant has been classified as pathogenic.

Color Diagnostics, LLC DBA Color Health
Classification: Pathogenic for Hereditary cancer-predisposing syndrome. Last evaluated: 2024-07-28. Review status: criteria provided, single submitter. Criteria: ACMG Guidelines, 2015. Collection method: clinical testing. Allele origin: germline. Not counted in ClinVar's aggregate classification.
Comment: This variant changes 1 nucleotide in exon 3 of the BRCA2 gene, creating a premature translation stop signal. This variant is expected to result in an absent or non-functional protein product. A functional study has reported that this nonsense mutation disrupted BRCA2 function in sensitivity assays to cisplatin and PARP inhibitor (PMID: 37713444). This variant has not been identified in the general population by the Genome Aggregation Database (gnomAD). Loss of BRCA2 function is a known mechanism of disease. Based on the available evidence, this variant is classified as Pathogenic.

Ambry Genetics
Classification: Pathogenic for Hereditary cancer-predisposing syndrome. Last evaluated: 2021-07-23. Review status: criteria provided, single submitter. Criteria: Ambry Variant Classification Scheme 2023. Collection method: clinical testing. Allele origin: germline. Not counted in ClinVar's aggregate classification.
Comment: The p.Y57* pathogenic mutation (also known as c.171C>A), located in coding exon 2 of the BRCA2 gene, results from a C to A substitution at nucleotide position 171. This changes the amino acid from a tyrosine to a stop codon within coding exon 2. This alteration is expected to result in loss of function by premature protein truncation or nonsense-mediated mRNA decay. As such, this alteration is interpreted as a disease-causing mutation.

GeneDx
Classification: Pathogenic. Last evaluated: 2020-12-08. Review status: criteria provided, single submitter. Criteria: GeneDx Variant Classification Process June 2021. Collection method: clinical testing. Allele origin: germline. Affected: yes. Not counted in ClinVar's aggregate classification.
Comment: Nonsense variant predicted to result in protein truncation or nonsense mediated decay in a gene for which loss-of-function is a known mechanism of disease; Has not been previously published as pathogenic or benign to our knowledge; Not observed in large population cohorts (Lek 2016); Truncating variants in this gene are considered pathogenic by a well-established clinical consortium and/or database; Also known as 399C>A

Literature cited by the submitters: PubMed 20104584 (cited by GeneKor MSA); PubMed 16683254 (cited by Color Diagnostics, LLC DBA Color Health); PubMed 29339979 (cited by Color Diagnostics, LLC DBA Color Health); PubMed 37713444 (cited by Color Diagnostics, LLC DBA Color Health).

NM_000059.4(BRCA2):c.171C>A (p.Tyr57Ter)

Gene: BRCA2 (BRCA2 DNA repair associated; plus strand). Cytogenetic location: 13q13.1.
Variant type: single nucleotide variant.
Coding change: c.171C>A on transcript NM_000059.4 (MANE Select); coding-DNA position 171, C replaced by A.
Protein change: p.Tyr57Ter; replaces tyrosine 57 with a stop codon.
Molecular consequence: nonsense.
Genome position (GRCh38, 1-based): chr13:32,319,180, C>A. VCF-style: chr13-32319180-C-A. GRCh37 (hg19) VCF-style: chr13-32893317-C-A.
Other names: short protein forms Y57*.
Identifiers: ClinVar variation 232879 (VCV000232879.14), dbSNP rs201523522, ClinGen allele CA10579446.